The following is an entry in ClinVar:

NM_000053.3(ATP7B):c.-139C>T

Gene: ATP7B (ATPase copper transporting beta; minus strand). Cytogenetic location: 13q14.3.
Variant type: single nucleotide variant.
Coding change: c.-139C>T on transcript NM_000053.3; 139 bases upstream of the start codon, C replaced by T.
Molecular consequence: 5 prime UTR variant (on NM_001406528.1). On other transcripts: intron variant (11).
Genome position (GRCh38, 1-based): chr13:52,011,476, G>A on the plus strand (C>T on the coding strand, the complement: ATP7B is on the minus strand). VCF-style: chr13-52011476-G-A. GRCh37 (hg19) VCF-style: chr13-52585612-G-A.
Other names: c.-139C>T (NM_001406528.1, NM_001406532.1); c.-54-85C>T (NM_001406541.1, NM_001406531.1, NM_001406527.1 and 7 more transcripts); c.-183-85C>T (NM_001406543.1).
Identifiers: ClinVar variation 4977603 (VCV004977603.1).
Genomic context (GRCh38, chr13:52,011,476, plus strand): 5'-GTTAAAGTCCCGGGAGAGGAGGCGCAGAGTGTGAGGGCATCGGCGCGGCTCGGCTCTAAA[G>A]CAAACAGGGGTCCGGGAACCGCCCCTTCATTTGGGACCGGGGAAGCCGCAGCCCTCTTCA-3'

ClinVar aggregate classification (germline): Uncertain significance (1 of 4 stars; one submission).

Conditions:
ATP7B-related disorder. Also called: ATP7B-related condition.

gnomAD v4.1: 6 of 929,632 alleles (0.00065%); highest among the groups gnomAD compares: African/African-American, 0.0064%; no homozygotes.

Submission:

PreventionGenetics, part of Exact Sciences
Classification: Uncertain significance for ATP7B-related condition. Last evaluated: 2024-11-22. Review status: criteria provided, single submitter. Criteria: ACMG Guidelines, 2015. Collection method: clinical testing. Allele origin: germline.
Comment: The ATP7B c.-139C>T variant is located in the 5' untranslated region. To our knowledge, this variant has not been reported in the literature or in a large population database (gnomAD), indicating this variant is rare. Although we suspect that this variant may be benign, at this time, the clinical significance of this variant is uncertain due to the absence of conclusive functional and genetic evidence.